The following is an entry in ClinVar:

GRCh37/hg19 17q21.31(chr17:44248221-44772028)x1

Genes: ARL17A (ARF like GTPase 17A; minus strand), ARL17B (ARF like GTPase 17B; minus strand), KANSL1 (KAT8 regulatory NSL complex subunit 1), LRRC37A (leucine rich repeat containing 37A), LRRC37A2 (leucine rich repeat containing 37 member A2) and 1 more. Cytogenetic location: 17q21.31.
Variant type: copy number loss.
Change: copy number 1 (one copy instead of two) of chr17:44,248,221-44,772,028 (523.8 kb, GRCh37 coordinates, 1-based), cytogenetic band 17q21.31.
Identifiers: ClinVar variation 3338434 (VCV003338434.1).

ClinVar aggregate classification (germline): Likely pathogenic (0 of 4 stars; one submission).

Conditions:
Koolen-de Vries syndrome (KDVS). Identifiers: Orphanet 96169, MedGen C1864871, MONDO:0012496, OMIM 610443.

Submission:

Solve-RD Consortium
Classification: Likely pathogenic for Koolen-de Vries syndrome. Last evaluated: 2024-06-01. Review status: no assertion criteria provided. Collection method: provider interpretation. Allele origin: de novo. Affected: yes.
Comment: This CNV was confirmed by the submitting clinician to impact a gene that corresponds with the phenotype of the affected individual, and thus deemed to be causative for their condition.

Literature cited by the submitters: PubMed 39825153.